The following is an entry in ClinVar:

ClinVar aggregate classification (germline): Pathogenic. Review status: criteria provided, multiple submitters, no conflicts (2 of 4 stars). 6 submissions from 6 submitters: Pathogenic (6). Last evaluated 2026-09-07.

Conditions:
POLG-related disorder. Also called: POLG-related condition; POLG-Related Spectrum Disorders; POLG-Related Disorders. Identifiers: MedGen C4763519.
Progressive sclerosing poliodystrophy (MTDPS4A). Also called: ALPERS PROGRESSIVE INFANTILE POLIODYSTROPHY; NEURONAL DEGENERATION OF CHILDHOOD WITH LIVER DISEASE, PROGRESSIVE; Mitochondrial DNA Depletion Syndrome 4A; Alpers Syndrome; ALPERS DIFFUSE DEGENERATION OF CEREBRAL GRAY MATTER WITH HEPATIC CIRRHOSIS; Alpers-Huttenlocher Syndrome. Identifiers: Orphanet 726, MedGen C0205710, MONDO:0008758, OMIM 203700.

Allele frequency attached by ClinVar (database versions not stated): gnomAD exomes below 0.00001.
gnomAD v4.1: 3 of 1,612,020 alleles (0.00019%); highest among the groups gnomAD compares: Non-Finnish European, 0.00025%; no homozygotes.

Submissions (6):

PreventionGenetics, part of Exact Sciences
Classification: Pathogenic for POLG-related condition. Last evaluated: 2026-09-07. Review status: criteria provided, single submitter. Criteria: ACMG Guidelines, 2015. Collection method: clinical testing. Allele origin: germline.
Comment: The POLG c.202C>T variant is predicted to result in premature protein termination (p.Gln68*). This variant, in the compound heterozygous state, has been reported in an individual with Alpers-Huttenlocher syndrome (Wong et al 2008. PubMed ID: 18546365; Saneto et al 2010. PubMed ID: 20138553) and in combination with another POLG variant in an individual with a mitochondrial hepatopathy (Squires et al. 2023. PubMed ID: 37184518). This variant has not been reported in a large population database, indicating this variant is rare and is consistently classified as pathogenic in ClinVar (Variation ID: 279988). Nonsense variants in POLG are expected to be pathogenic. This variant is interpreted as pathogenic for autosomal recessive POLG-related conditions.

Myriad Genetics, Inc.
Classification: Pathogenic for POLG-related disorder. Last evaluated: 2025-12-17. Review status: criteria provided, single submitter. Criteria: Myriad Autosomal Dominant, Autosomal Recessive and X-Linked Classification Criteria (2023). Collection method: clinical testing. Allele origin: unknown.
Comment: NM_002693.2(POLG):c.202C>T(Q68*) is a nonsense variant classified as pathogenic in the context of POLG-related disorders. Q68* has been observed in cases with relevant disease (PMID: 18546365, 20138553, 37184518). Relevant functional assessments of this variant are not available in the literature. Q68* has not been observed in referenced population frequency databases. In summary, NM_002693.2(POLG):c.202C>T(Q68*) is a nonsense variant in a gene where loss of function is a known mechanism of disease, is predicted to disrupt protein function, and has been observed more frequently in cases with the relevant disease than in healthy populations. Please note: this variant was assessed in the context of healthy population screening.

Labcorp Genetics (formerly Invitae), Labcorp
Classification: Pathogenic for Progressive sclerosing poliodystrophy. Last evaluated: 2024-09-09. Review status: criteria provided, single submitter. Criteria: Invitae Variant Classification Sherloc (09022015). Collection method: clinical testing. Allele origin: germline.
Comment: This sequence change creates a premature translational stop signal (p.Gln68*) in the POLG gene. It is expected to result in an absent or disrupted protein product. Loss-of-function variants in POLG are known to be pathogenic (PMID: 18546365). This variant is not present in population databases (gnomAD no frequency). This premature translational stop signal has been observed in individual(s) with autosomal recessive Alpers-Huttenlocher syndrome (AHS) (PMID: 18546365). ClinVar contains an entry for this variant (Variation ID: 279988). For these reasons, this variant has been classified as Pathogenic.

Baylor Genetics
Classification: Pathogenic for Progressive sclerosing poliodystrophy. Last evaluated: 2024-02-28. Review status: criteria provided, single submitter. Criteria: ACMG Guidelines, 2015. Collection method: clinical testing. Allele origin: unknown.

GeneDx
Classification: Pathogenic. Last evaluated: 2023-11-22. Review status: criteria provided, single submitter. Criteria: GeneDx Variant Classification Process June 2021. Collection method: clinical testing. Allele origin: germline. Affected: yes.
Comment: Nonsense variant predicted to result in protein truncation or nonsense mediated decay in a gene for which loss-of-function is a known mechanism of disease; Not observed at significant frequency in large population cohorts (gnomAD); This variant is associated with the following publications: (PMID: 20818383, 20138553, 19501198, 35943861, 18546365, 37184518, 36283405)

Wong Mito Lab, Molecular and Human Genetics, Baylor College of Medicine
Classification: Pathogenic for Progressive sclerosing poliodystrophy. Last evaluated: 2018-10-01. Review status: criteria provided, single submitter. Criteria: ACMG Guidelines, 2015. Collection method: clinical testing. Allele origin: germline.
Comment: The NM_002693.2:c.202C>T (NP_002684.1:p.Gln68Ter) [GRCH38: NC_000015.10:g.89333553G>A] variant in POLG gene is interpretated to be a Pathogenic based on ACMG guidelines (PMID: 25741868). This variant meets the following evidence codes reported in the ACMG-guideline. PVS1:This variant is a predicted null variant in POLG where loss of function is a known mechanism of disease. PM2:This variant is absent in key population databases. PM3:Detected in trans with a pathogenic variant for Mitochondrial DNA depletion syndrome 4A (Alpers type) which is a recessive disorder. PM4:This variant causes alteration in the length of expressed protein. PP1:This variant is co-segregated with Mitochondrial DNA depletion syndrome 4A (Alpers type) in multiple affected family members. Based on the evidence criteria codes applied, the variant is suggested to be Pathogenic.

Literature cited by the submitters: PubMed 18546365 (cited by Myriad Genetics, Inc. and Labcorp Genetics (formerly Invitae), Labcorp); PubMed 20138553 (cited by Myriad Genetics, Inc.); PubMed 37184518 (cited by Myriad Genetics, Inc.).

NM_002693.3(POLG):c.202C>T (p.Gln68Ter)

Genes: POLGARF (POLG alternative reading frame; minus strand), POLG (DNA polymerase gamma, catalytic subunit; minus strand). Cytogenetic location: 15q26.1.
Variant type: single nucleotide variant.
Coding change: c.202C>T on transcript NM_002693.3 (MANE Select); coding-DNA position 202, C replaced by T.
Protein change: p.Gln68Ter; replaces glutamine 68 with a stop codon.
Molecular consequence: nonsense.
Genome position (GRCh38, 1-based): chr15:89,333,553, G>A on the plus strand (C>T on the coding strand, the complement: POLG is on the minus strand). VCF-style: chr15-89333553-G-A. GRCh37 (hg19) VCF-style: chr15-89876784-G-A.
Other names: c.202C>T, p.Gln68Ter (NM_001126131.2); short protein forms Q68*.
Identifiers: ClinVar variation 279988 (VCV000279988.10), dbSNP rs202039305, ClinGen allele CA10602212.